The following is an entry in ClinVar:

NM_001613.4(ACTA2):c.705A>G (p.Ser235=)

Genes: ACTA2 (actin alpha 2, smooth muscle; minus strand), ACTA2-AS1 (ACTA2 antisense RNA 1; plus strand). Cytogenetic location: 10q23.31.
Variant type: single nucleotide variant.
Coding change: c.705A>G on transcript NM_001613.4 (MANE Select); coding-DNA position 705, A replaced by G.
Protein change: p.Ser235=; no amino-acid change (serine 235 retained).
Molecular consequence: synonymous variant. On other transcripts: non-coding transcript variant (1), intron variant (1).
Genome position (GRCh38, 1-based): chr10:88,939,610, T>C on the plus strand (A>G on the coding strand, the complement: ACTA2 is on the minus strand). VCF-style: chr10-88939610-T-C. GRCh37 (hg19) VCF-style: chr10-90699367-T-C.
Other names: c.705A>G, p.Ser235= (NM_001141945.3, NM_001320855.2, NM_001406462.1 and 2 more transcripts); c.594A>G, p.Ser198= (NM_001406466.1); c.576A>G, p.Ser192= (NM_001406467.1, NM_001406468.1, NM_001406469.1); c.617-1368A>G (NM_001406471.1).
Identifiers: ClinVar variation 3346803 (VCV003346803.1).
Genomic context (GRCh38, chr10:88,939,610, plus strand): 5'-TTCATTTCCGATGGTGATCACTTGCCCATCAGGCAACTCGTAACTCTTCTCAAGGGAGGA[T>C]GAGGATGCGGCAGTGGCCATCTCATTTTCAAAGTCCAGAGCTACATAACACAGTTTCTCC-3'
Protein context (NP_001604.1, residues 225-245): FENEMATAAS[Ser235=]SSLEKSYELP

ClinVar aggregate classification (germline): Likely benign (0 of 4 stars; one submission).

Conditions:
ACTA2-related disorder. Also called: ACTA2-related condition; ACTA2-related disorders.

Submission:

PreventionGenetics, part of Exact Sciences
Classification: Likely benign for ACTA2-related condition. Last evaluated: 2024-04-04. Review status: no assertion criteria provided. Collection method: clinical testing. Allele origin: germline.
Comment: This variant is classified as likely benign based on ACMG/AMP sequence variant interpretation guidelines (Richards et al. 2015 PMID: 25741868, with internal and published modifications).